The following is an entry in ClinVar:

NM_003200.5(TCF3):c.200CCT[1] (p.Ser68del)

Gene: TCF3 (transcription factor 3; minus strand). Cytogenetic location: 19p13.3.
Variant type: Microsatellite.
Coding change: c.200CCT[1] on transcript NM_003200.5 (MANE Select); one copy of the 3-base unit CCT starting at c.200; the reference has two copies in a row; one copy, 3 bases deleted.
Protein change: p.Ser68del; deletes serine 68.
Genome position (GRCh38, 1-based): chr19:1,632,346-1,632,348, AGG deleted on the plus strand (CCT on the coding strand, the reverse complement: TCF3 is on the minus strand); deleting any 3 consecutive bases within chr19:1,632,346-1,632,353 gives the same sequence; the position shown is the placement nearest the transcript's 3' end. VCF-style (leftmost placement, unchanged base first): chr19-1632345-AAGG-A. GRCh37 (hg19) VCF-style: chr19-1632344-AAGG-A.
Other names: c.200CCT[1], p.Ser68del (NM_001136139.4, NM_001351778.2, NM_001351779.2); short protein forms S68del.
Identifiers: ClinVar variation 4774518 (VCV004774518.1).

ClinVar aggregate classification (germline): Uncertain significance (1 of 4 stars; one submission).

Submission:

Labcorp Genetics (formerly Invitae), Labcorp
Classification: Uncertain significance. Last evaluated: 2026-01-02. Review status: criteria provided, single submitter. Criteria: Invitae Variant Classification Sherloc (09022015). Collection method: clinical testing. Allele origin: germline.
Comment: This variant, c.203_205del, results in the deletion of 1 amino acid(s) of the TCF3 protein (p.Ser68del), but otherwise preserves the integrity of the reading frame. This variant is not present in population databases (gnomAD no frequency). This variant has not been reported in the literature in individuals affected with TCF3-related conditions. Experimental studies and prediction algorithms are not available or were not evaluated, and the functional significance of this variant is currently unknown. In summary, the available evidence is currently insufficient to determine the role of this variant in disease. Therefore, it has been classified as a Variant of Uncertain Significance.